The following is an entry in ClinVar:

NC_000017.10:g.(?_41267723)_(41277500_?)dup

Genes: BRCA1 (BRCA1 DNA repair associated; minus strand), LOC110485084 (BRCA1 intronic recombination region; plus strand), LOC111589215 (BRCA1 promoter region; plus strand), LOC111589216 (BRCA1 intron 2 regulatory region; plus strand). Cytogenetic location: 17q21.31.
Variant type: Duplication.
Identifiers: ClinVar variation 652958 (VCV000652958.5).

ClinVar aggregate classification (germline): Uncertain significance (1 of 4 stars; one submission).

Conditions:
Hereditary breast ovarian cancer syndrome. Also called: Breast and ovarian cancer; BRCA1- and BRCA2-Associated Hereditary Breast and Ovarian Cancer; Hereditary breast and ovarian cancer; Hereditary breast and/or ovarian cancer syndrome; Hereditary breast and ovarian cancer syndrome; Hereditary breast and ovarian cancer syndrome (HBOC). Identifiers: Orphanet 145, MedGen C0677776, MeSH D061325, MONDO:0003582. Disease mechanism: loss of function.

Submission:

Labcorp Genetics (formerly Invitae), Labcorp
Classification: Uncertain significance for Hereditary breast ovarian cancer syndrome. Last evaluated: 2024-01-24. Review status: criteria provided, single submitter. Criteria: Invitae Variant Classification Sherloc (09022015). Collection method: clinical testing. Allele origin: germline.
Comment: This variant results in a copy number gain of the genomic region encompassing exon(s) 1-3 of the BRCA1 gene. This region includes the initiator codon of the gene. This copy number gain extends beyond the assayed region for this gene and therefore may encompass additional genes. As the precise location of this event is unknown, it may be in tandem or it may be located elsewhere in the genome. This variant has not been reported in the literature in individuals affected with BRCA1-related conditions. Experimental studies and prediction algorithms are not available or were not evaluated, and the functional significance of this variant is currently unknown. In summary, the available evidence is currently insufficient to determine the role of this variant in disease. Therefore, it has been classified as a Variant of Uncertain Significance.